The following is an entry in ClinVar:

NM_000138.5(FBN1):c.7404T>G (p.Cys2468Trp)

Gene: FBN1 (fibrillin 1; minus strand). Cytogenetic location: 15q21.1.
Variant type: single nucleotide variant.
Coding change: c.7404T>G on transcript NM_000138.5 (MANE Select); coding-DNA position 7404, T replaced by G.
Protein change: p.Cys2468Trp; replaces cysteine 2468 with tryptophan.
Molecular consequence: missense variant.
Genome position (GRCh38, 1-based): chr15:48,425,418, A>C on the plus strand (T>G on the coding strand, the complement: FBN1 is on the minus strand). VCF-style: chr15-48425418-A-C. GRCh37 (hg19) VCF-style: chr15-48717615-A-C.
Other names: c.7404T>G, p.Cys2468Trp (NM_001406716.1); short protein forms C2468W.
Identifiers: ClinVar variation 4789634 (VCV004789634.1).

ClinVar aggregate classification (germline): Likely pathogenic (1 of 4 stars; one submission).

Conditions:
Marfan syndrome (MFS). Also called: FBN1-Related Marfan Syndrome; MARFAN SYNDROME, TYPE I; Marfan syndrome type 1; Marfan's syndrome; Marfan syndrome, classic. Identifiers: Orphanet 284963, Orphanet 558, MedGen C0024796, MONDO:0007947, OMIM 154700.
Familial thoracic aortic aneurysm and aortic dissection (TAAD). Also called: Thoracic aortic aneurysms and dissections. Identifiers: Orphanet 91387, MedGen C4707243, MONDO:0019625.

Submission:

Labcorp Genetics (formerly Invitae), Labcorp
Classification: Likely pathogenic for Marfan syndrome; Familial thoracic aortic aneurysm and aortic dissection. Last evaluated: 2025-02-03. Review status: criteria provided, single submitter. Criteria: Invitae Variant Classification Sherloc (09022015). Collection method: clinical testing. Allele origin: germline.
Comment: This sequence change replaces cysteine, which is neutral and slightly polar, with tryptophan, which is neutral and slightly polar, at codon 2468 of the FBN1 protein (p.Cys2468Trp). This variant is not present in population databases (gnomAD no frequency). This variant has not been reported in the literature in individuals affected with FBN1-related conditions. Invitae Evidence Modeling of protein sequence and biophysical properties (such as structural, functional, and spatial information, amino acid conservation, physicochemical variation, residue mobility, and thermodynamic stability) indicates that this missense variant is expected to disrupt FBN1 protein function with a positive predictive value of 95%. This variant affects a cysteine residue in the EGF-like, TGFBP or hybrid motif domains of FBN1. Cysteine residues are believed to be involved in intramolecular disulfide bridges and have been shown to be important for FBN1 protein structure (PMID: 16905551, 19349279). In addition, missense substitutions affecting cysteine residues within these domains are significantly overrepresented among patients with Marfan syndrome (PMID: 16571647, 17701892). This variant disrupts the p.Cys2468 amino acid residue in FBN1. Other variant(s) that disrupt this residue have been observed in individuals with FBN1-related conditions (PMID: 27906200; internal data), which suggests that this may be a clinically significant amino acid residue. In summary, the currently available evidence indicates that the variant is pathogenic, but additional data are needed to prove that conclusively. Therefore, this variant has been classified as Likely Pathogenic.

Literature cited by the submitters: PubMed 16905551; PubMed 19349279; PubMed 16571647; PubMed 17701892; PubMed 27906200.